The following is an entry in ClinVar:

ClinVar aggregate classification (germline): Conflicting classifications of pathogenicity. Review status: criteria provided, conflicting classifications (1 of 4 stars). 5 submissions from 5 submitters: Uncertain significance (2); Likely benign (3). Last evaluated 2026-01-16.

Conditions:
Jeune thoracic dystrophy. Also called: Jeune syndrome; Infantile thoracic dystrophy; Thoracic pelvic phalangeal dystrophy; Jeune's syndrome; Chondroectodermal dysplasia-like syndrome; Short-rib thoracic dysplasia. Identifiers: Orphanet 474, MedGen C0265275, MONDO:0018770.
Inborn genetic diseases. Identifiers: MedGen C0950123, MeSH D030342.
Asphyxiating thoracic dystrophy 3. Also called: POLYDACTYLY WITH NEONATAL CHONDRODYSTROPHY, TYPE I; SHORT-RIB THORACIC DYSPLASIA 3/6 WITH POLYDACTYLY, DIGENIC; Short rib polydactyly syndrome 2B; SHORT-RIB THORACIC DYSPLASIA 3 WITH OR WITHOUT POLYDACTYLY; Saldino-Noonan Syndrome. Identifiers: Orphanet 474, Orphanet 93269, Orphanet 93270, Orphanet 93271, MedGen C0036069, MONDO:0013127, OMIM 613091.

Allele frequency attached by ClinVar (database versions not stated): gnomAD exomes 0.00003 and 0.00008; ExAC 0.00010; 1000 Genomes Project 0.00020; ESP Exome Variant Server 0.00025; 1000 Genomes Project 30x 0.00031; gnomAD 0.00038 and 0.00042; TOPMed 0.00046.

Submissions (5):

Labcorp Genetics (formerly Invitae), Labcorp
Classification: Likely benign for Jeune thoracic dystrophy. Last evaluated: 2026-01-16. Review status: criteria provided, single submitter. Criteria: Invitae Variant Classification Sherloc (09022015). Collection method: clinical testing. Allele origin: germline.

GeneDx
Classification: Uncertain significance. Last evaluated: 2024-08-06. Review status: criteria provided, single submitter. Criteria: GeneDx Variant Classification Process June 2021. Collection method: clinical testing. Allele origin: germline. Affected: yes.
Comment: In silico analysis indicates that this missense variant does not alter protein structure/function; Has not been previously published as pathogenic or benign to our knowledge

Blueprint Genetics
Classification: Likely benign. Last evaluated: 2024-02-01. Review status: criteria provided, single submitter. Criteria: ACMG Guidelines, 2015. Collection method: clinical testing. Allele origin: germline.

Ambry Genetics
Classification: Likely benign for Inborn genetic diseases. Last evaluated: 2022-11-17. Review status: criteria provided, single submitter. Criteria: Ambry Variant Classification Scheme 2023. Collection method: clinical testing. Allele origin: germline.

Johns Hopkins Genomics, Johns Hopkins University
Classification: Uncertain significance for Asphyxiating thoracic dystrophy 3. Last evaluated: 2021-01-12. Review status: criteria provided, single submitter. Criteria: ACMG Guidelines, 2015. Collection method: clinical testing. Allele origin: germline.
Comment: DYNC2H1 c.317G>A has not been reported in ClinVar nor the literature, to our knowledge. This variant (rs200485999) has been identified in a large population dataset and the minor allele frequency is neither low enough to consider the variant rare (<0.1%) nor high enough to consider it a population polymorphism (>1%) within the African/African American subpopulation (gnomAD: 24/21824 alleles; 0.1%, no homozygotes). Three bioinformatic tools queried predict that this substitution would be tolerated, and the serine residue at this position is not evolutionarily conserved across the species assessed. Due to insufficient evidence, we consider the clinical significance of c.317G>A to be uncertain at this time.

NM_001377.3(DYNC2H1):c.317G>A (p.Ser106Asn)

Gene: DYNC2H1 (dynein cytoplasmic 2 heavy chain 1; plus strand). Cytogenetic location: 11q22.3.
Variant type: single nucleotide variant.
Coding change: c.317G>A on transcript NM_001377.3 (MANE Select); coding-DNA position 317, G replaced by A.
Protein change: p.Ser106Asn; replaces serine 106 with asparagine.
Molecular consequence: missense variant.
Genome position (GRCh38, 1-based): chr11:103,113,658, G>A. VCF-style: chr11-103113658-G-A. GRCh37 (hg19) VCF-style: chr11-102984387-G-A.
Other names: c.317G>A, p.Ser106Asn (NM_001080463.2); short protein forms S106N.
Identifiers: ClinVar variation 992905 (VCV000992905.18), dbSNP rs200485999, ClinGen allele CA6252446.